The following is an entry in ClinVar:

ClinVar aggregate classification (germline): Uncertain significance. Review status: criteria provided, multiple submitters, no conflicts (2 of 4 stars). 3 submissions from 3 submitters: Uncertain significance (3). Last evaluated 2025-12-31.

Conditions:
Inborn genetic diseases. Identifiers: MedGen C0950123, MeSH D030342.

Submissions (3):

Labcorp Genetics (formerly Invitae), Labcorp
Classification: Uncertain significance. Last evaluated: 2025-12-31. Review status: criteria provided, single submitter. Criteria: Invitae Variant Classification Sherloc (09022015). Collection method: clinical testing. Allele origin: germline.
Comment: This sequence change replaces histidine, which is basic and polar, with tyrosine, which is neutral and polar, at codon 164 of the TJP2 protein (p.His164Tyr). This variant is not present in population databases (gnomAD no frequency). This variant has not been reported in the literature in individuals affected with TJP2-related conditions. ClinVar contains an entry for this variant (Variation ID: 1878714). An algorithm developed to predict the effect of missense changes on protein structure and function (PolyPhen-2) suggests that this variant is likely to be tolerated. In summary, the available evidence is currently insufficient to determine the role of this variant in disease. Therefore, it has been classified as a Variant of Uncertain Significance.

Ambry Genetics
Classification: Uncertain significance for Inborn genetic diseases. Last evaluated: 2023-06-13. Review status: criteria provided, single submitter. Criteria: Ambry Variant Classification Scheme 2023. Collection method: clinical testing. Allele origin: germline.

GeneDx
Classification: Uncertain significance. Last evaluated: 2022-07-15. Review status: criteria provided, single submitter. Criteria: GeneDx Variant Classification Process June 2021. Collection method: clinical testing. Allele origin: germline. Affected: yes.
Comment: Not observed at significant frequency in large population cohorts (gnomAD); In silico analysis supports that this missense variant does not alter protein structure/function; Has not been previously published as pathogenic or benign to our knowledge

NM_004817.4(TJP2):c.490C>T (p.His164Tyr)

Gene: TJP2 (tight junction protein 2; plus strand). Cytogenetic location: 9q21.11.
Variant type: single nucleotide variant.
Coding change: c.490C>T on transcript NM_004817.4 (MANE Select); coding-DNA position 490, C replaced by T.
Protein change: p.His164Tyr; replaces histidine 164 with tyrosine.
Molecular consequence: missense variant.
Genome position (GRCh38, 1-based): chr9:69,221,034, C>T. VCF-style: chr9-69221034-C-T. GRCh37 (hg19) VCF-style: chr9-71835950-C-T.
Other names: c.421C>T, p.His141Tyr (NM_001170414.2, NM_001369870.1, NM_001369871.1); c.502C>T, p.His168Tyr (NM_001170415.1, NM_001369874.1, NM_001369875.1); c.583C>T, p.His195Tyr (NM_001170416.2); c.490C>T, p.His164Tyr (NM_001369872.1, NM_001369873.1, NM_201629.3); short protein forms H141Y, H164Y, H168Y, H195Y.
Identifiers: ClinVar variation 1878714 (VCV001878714.4), dbSNP rs1828783245, ClinGen allele CA373528269.